The following is an entry in ClinVar:

ClinVar aggregate classification (germline): Uncertain significance (1 of 4 stars; one submission).

Allele frequency attached by ClinVar (database versions not stated): gnomAD exomes 0.00001; TOPMed 0.00001.
gnomAD v4.1: 13 of 1,613,500 alleles (0.00081%); highest among the groups gnomAD compares: South Asian, 0.014%; no homozygotes.

Submission:

Labcorp Genetics (formerly Invitae), Labcorp
Classification: Uncertain significance. Last evaluated: 2023-08-27. Review status: criteria provided, single submitter. Criteria: Invitae Variant Classification Sherloc (09022015). Collection method: clinical testing. Allele origin: germline.
Comment: This variant is present in population databases (no rsID available, gnomAD 0.003%). This sequence change replaces threonine, which is neutral and polar, with alanine, which is neutral and non-polar, at codon 192 of the KLF11 protein (p.Thr192Ala). This variant has not been reported in the literature in individuals affected with KLF11-related conditions. Algorithms developed to predict the effect of missense changes on protein structure and function output the following: SIFT: "Not Available"; PolyPhen-2: "Benign"; Align-GVGD: "Not Available". The alanine amino acid residue is found in multiple mammalian species, which suggests that this missense change does not adversely affect protein function. In summary, the available evidence is currently insufficient to determine the role of this variant in disease. Therefore, it has been classified as a Variant of Uncertain Significance.

NM_003597.5(KLF11):c.574A>G (p.Thr192Ala)

Gene: KLF11 (KLF transcription factor 11; plus strand). Cytogenetic location: 2p25.1.
Variant type: single nucleotide variant.
Coding change: c.574A>G on transcript NM_003597.5 (MANE Select); coding-DNA position 574, A replaced by G.
Protein change: p.Thr192Ala; replaces threonine 192 with alanine.
Molecular consequence: missense variant.
Genome position (GRCh38, 1-based): chr2:10,047,911, A>G. VCF-style: chr2-10047911-A-G. GRCh37 (hg19) VCF-style: chr2-10188038-A-G.
Other names: c.523A>G, p.Thr175Ala (NM_001177716.2, NM_001177718.2); short protein forms T192A, T175A.
Identifiers: ClinVar variation 3022158 (VCV003022158.3), dbSNP rs1436751462, ClinGen allele CA345801497.
Genomic context (GRCh38, chr2:10,047,911, plus strand): 5'-GGGACTAGCGTGATCCGACACACTGGGGAGAGCCCTGCTGCCTGCTTTCCCACCATCCAG[A>G]CTCCAGATTGCCGGCTTTCTGACAGCAGAGAAGGAGAAGAGCAGCTTCTGGGACACTTTG-3'
Protein context (NP_003588.1, residues 182-202): SPAACFPTIQ[Thr192Ala]PDCRLSDSRE